The following is an entry in ClinVar:

NM_000380.4(XPA):c.613del (p.Glu205fs)

Gene: XPA (XPA, DNA damage recognition and repair factor; minus strand). Cytogenetic location: 9q22.33.
Variant type: Deletion.
Coding change: c.613del on transcript NM_000380.4 (MANE Select); coding-DNA position 613, one base deleted (G; older notation c.613delG).
Protein change: p.Glu205fs; shifts the reading frame from glutamic acid 205.
Molecular consequence: frameshift variant. On other transcripts: non-coding transcript variant (5).
Genome position (GRCh38, 1-based): chr9:97,684,983, C deleted on the plus strand (G on the coding strand, the reverse complement: XPA is on the minus strand); the first of 2 consecutive C bases (chr9:97,684,983-97,684,984); deleting either gives the same sequence. VCF-style (leftmost placement, unchanged base first): chr9-97684982-TC-T. GRCh37 (hg19) VCF-style: chr9-100447264-TC-T.
Other names: c.487del, p.Glu163fs (NM_001354975.2); c.613delG (NM_000380.4); short protein forms E163fs, E205fs.
Identifiers: ClinVar variation 4813848 (VCV004813848.2).

ClinVar aggregate classification (germline): Pathogenic. Review status: criteria provided, multiple submitters, no conflicts (2 of 4 stars). 2 submissions from 2 submitters: Pathogenic (2). Last evaluated 2025-09-03.

Conditions:
Xeroderma pigmentosum group A (XPA). Also called: XPA-Related Xeroderma Pigmentosum; Xeroderma pigmentosum, complementation group A; XP, group A. Identifiers: Orphanet 910, MedGen C0268135, MONDO:0010210, OMIM 278700.

Submissions (2):

Myriad Genetics, Inc.
Classification: Pathogenic for Xeroderma pigmentosum group A. Last evaluated: 2025-09-03. Review status: criteria provided, single submitter. Criteria: Myriad Autosomal Dominant, Autosomal Recessive and X-Linked Classification Criteria (2023). Collection method: clinical testing. Allele origin: unknown.
Comment: NM_000380.3(XPA):c.613delG(E205Kfs*10) is a frameshift variant classified as pathogenic in the context of xeroderma pigmentosum group A. E205Kfs*10 has not been observed in cases with relevant disease. Relevant functional assessments of this variant are not available in the literature. E205Kfs*10 has not been observed in referenced population frequency databases. In summary, NM_000380.3(XPA):c.613delG(E205Kfs*10) is a frameshift variant in a gene where loss of function is a known mechanism of disease and is predicted to disrupt protein function. Please note: this variant was assessed in the context of healthy population screening.

Medical Molecular Genetics Department, National Research Center
Classification: Pathogenic for Xeroderma pigmentosum group A. Last evaluated: 2025-01-01. Review status: criteria provided, single submitter. Criteria: ACMG Guidelines, 2015. Collection method: research. Allele origin: germline. Affected: yes. Observed: 1 variant allele.
Comment: The XPA(NM_000380.4):c.613delG, p.(Glu205Lysfs*10) variant is a frameshift variant results in a premature termination codon, predicted to cause a truncation of the encoded protein or absence of the protein due to nonsense mediated decay in a gene where loss-of-function is a known disease mechanism (PVS1). This variant is absent from large population cohorts (gnomAD; PM2). It was identified in a proband diagnosed with xeroderma pigmentosum which represents a highly specific phenotype for XPA-related disease (PP4). In summary, this variant meets criteria to be classified as pathogenic for xeroderma pigmentosum based on the ACMG criteria: PVS1, PM2 and PP4.